The following is an entry in ClinVar:

NM_000138.5(FBN1):c.3G>T (p.Met1Ile)

Gene: FBN1 (fibrillin 1; minus strand). Cytogenetic location: 15q21.1.
Variant type: single nucleotide variant.
Coding change: c.3G>T on transcript NM_000138.5 (MANE Select); coding-DNA position 3, G replaced by T.
Protein change: p.Met1Ile; changes the start codon (methionine 1).
Molecular consequence: missense variant, initiator codon variant.
Genome position (GRCh38, 1-based): chr15:48,644,767, C>A on the plus strand (G>T on the coding strand, the complement: FBN1 is on the minus strand). VCF-style: chr15-48644767-C-A. GRCh37 (hg19) VCF-style: chr15-48936964-C-A.
Other names: short protein forms M1I.
Identifiers: ClinVar variation 264175 (VCV000264175.10), dbSNP rs886039072, ClinGen allele CA10587866.

ClinVar aggregate classification (germline): Pathogenic/Likely pathogenic. Review status: criteria provided, multiple submitters, no conflicts (2 of 4 stars). 3 submissions from 3 submitters: Pathogenic (2); Likely pathogenic (1). Last evaluated 2026-01-21.

Conditions:
Familial thoracic aortic aneurysm and aortic dissection (TAAD). Also called: Thoracic aortic aneurysms and dissections. Identifiers: Orphanet 91387, MedGen C4707243, MONDO:0019625.
Brugada syndrome 1 (BRGDA1). Also called: RIGHT BUNDLE BRANCH BLOCK, ST SEGMENT ELEVATION, AND SUDDEN DEATH SYNDROME. Identifiers: Orphanet 130, MedGen C4551804, MONDO:0011001, OMIM 601144.

Submissions (3):

Dasa
Classification: Likely pathogenic. Last evaluated: 2026-01-21. Review status: criteria provided, single submitter. Criteria: DASA Assertion Criteria. Collection method: clinical testing. Allele origin: germline.
Comment: NM_000138.5(FBN1):c.3G>T (p.Met1?) is a start-loss variant predicted to alter the translation initiation codon and impair normal protein translation. Loss of function is an established disease mechanism for FBN1 (PMID: 17701892; PMID: 30286810; PMID: 21063442). This variant has been recurrently observed in individuals with FBN1-related disorders (PMID: 19012347; PMID: 27611364; PMID: 28973303; PMID: 19159394). Also, this variant is rare in population databases. Based on the currently available evidence, this variant is classified as likely pathogenic.

Ambry Genetics
Classification: Pathogenic for Familial thoracic aortic aneurysm and aortic dissection. Last evaluated: 2021-10-08. Review status: criteria provided, single submitter. Criteria: Ambry Variant Classification Scheme 2023. Collection method: clinical testing. Allele origin: germline.
Comment: The p.M1? pathogenic mutation (also known as c.3G>T) is located in coding exon 1 of the FBN1 gene and results from a G to T substitution at nucleotide position 3. This alters the methionine residue at the initiation codon (ATG). This alteration has been reported in individuals suspected to have Marfan syndrome (Rybczynski M et al., Am. J. Med. Genet. A 2008 Dec; 146A(24):3157-66; S&ouml;ylen B et al., Clin. Genet. 2009 Mar; 75(3):265-70; Yang H et al., Sci Rep. 2016 Sep 9;6:33002; Tan L et al., Hum Mol Genet. 2017 Dec 15;26(24):4814-4822). This variant is considered to be rare based on population cohorts in the Genome Aggregation Database (gnomAD). In addition to the clinical data presented in the literature, sequence variations that modify the initiation codon are expected to result in either loss of translation initiation, N-terminal truncation, or cause a shift in the mRNA reading frame. Based on the supporting evidence, this alteration is interpreted as a disease-causing mutation.

Molecular Diagnostic Laboratory for Inherited Cardiovascular Disease, Montreal Heart Institute
Classification: Pathogenic for Brugada syndrome 1. Last evaluated: 2019-05-01. Review status: criteria provided, single submitter. Criteria: ACMG Guidelines, 2015. Collection method: clinical testing. Allele origin: germline. Affected: yes.

Literature cited by the submitters: PubMed 19012347 (cited by Dasa and Ambry Genetics); PubMed 27611364 (cited by Dasa and Ambry Genetics); PubMed 28973303 (cited by Dasa and Ambry Genetics); PubMed 19159394 (cited by Dasa and Ambry Genetics); PubMed 29848614 (cited by Dasa); PubMed 17701892 (cited by Dasa); PubMed 30286810 (cited by Dasa); PubMed 21063442 (cited by Dasa).